The following is an entry in ClinVar:

NM_001846.4(COL4A2):c.2707A>G (p.Ser903Gly)

Gene: COL4A2 (collagen type IV alpha 2 chain; plus strand). Cytogenetic location: 13q34.
Variant type: single nucleotide variant.
Coding change: c.2707A>G on transcript NM_001846.4 (MANE Select); coding-DNA position 2707, A replaced by G.
Protein change: p.Ser903Gly; replaces serine 903 with glycine.
Molecular consequence: missense variant.
Genome position (GRCh38, 1-based): chr13:110,480,339, A>G. VCF-style: chr13-110480339-A-G. GRCh37 (hg19) VCF-style: chr13-111132686-A-G.
Other names: short protein forms S903G.
Identifiers: ClinVar variation 1318879 (VCV001318879.2), dbSNP rs2139522253, ClinGen allele CA388726778.

ClinVar aggregate classification (germline): Uncertain significance (1 of 4 stars; one submission).

Submission:

GeneDx
Classification: Uncertain significance. Last evaluated: 2020-03-24. Review status: criteria provided, single submitter. Criteria: GeneDx Variant Classification Process June 2021. Collection method: clinical testing. Allele origin: germline. Affected: yes.
Comment: Not observed in large population cohorts (Lek et al., 2016); In silico analysis supports that this missense variant does not alter protein structure/function; Has not been previously published as pathogenic or benign to our knowledge